The following is an entry in ClinVar:

ClinVar aggregate classification (germline): Uncertain significance (1 of 4 stars; one submission).

Conditions:
PROS1-related disorder. Also called: PROS1-related condition.

gnomAD v4.1: 18 of 1,612,784 alleles (0.0011%); highest among the groups gnomAD compares: Non-Finnish European, 0.0014%; no homozygotes.

Submission:

PreventionGenetics, part of Exact Sciences
Classification: Uncertain significance for PROS1-related condition. Last evaluated: 2025-10-21. Review status: criteria provided, single submitter. Criteria: ACMG Guidelines, 2015. Collection method: clinical testing. Allele origin: germline.
Comment: The PROS1 c.1210G>A variant is predicted to result in the amino acid substitution p.Val404Met. To our knowledge, this variant has not been reported in the literature. This variant is reported in 0.0033% of alleles in individuals of South Asian descent in gnomAD. At this time, the clinical significance of this variant is uncertain due to the absence of conclusive functional and genetic evidence.

NM_000313.4(PROS1):c.1210G>A (p.Val404Met)

Gene: PROS1 (protein S; minus strand). Cytogenetic location: 3q11.1.
Variant type: single nucleotide variant.
Coding change: c.1210G>A on transcript NM_000313.4 (MANE Select); coding-DNA position 1210, G replaced by A.
Protein change: p.Val404Met; replaces valine 404 with methionine.
Molecular consequence: missense variant.
Genome position (GRCh38, 1-based): chr3:93,886,449, C>T on the plus strand (G>A on the coding strand, the complement: PROS1 is on the minus strand). VCF-style: chr3-93886449-C-T. GRCh37 (hg19) VCF-style: chr3-93605293-C-T.
Other names: c.1306G>A, p.Val436Met (NM_001314077.2); short protein forms V404M, V436M.
Identifiers: ClinVar variation 4984206 (VCV004984206.1).